The following is an entry in ClinVar:

ClinVar aggregate classification (germline): Likely benign (0 of 4 stars; one submission).

Conditions:
NECTIN1-related disorder. Also called: NECTIN1-related condition.

Allele frequency attached by ClinVar (database versions not stated): ExAC 0.00047; 1000 Genomes Project 0.00100; 1000 Genomes Project 30x 0.00125; gnomAD 0.00175; ESP Exome Variant Server 0.00216.
gnomAD v4.1: 563 of 1,614,156 alleles (0.035%); highest among the groups gnomAD compares: African/African-American, 0.64%; 2 homozygotes.

Submission:

PreventionGenetics, part of Exact Sciences
Classification: Likely benign for NECTIN1-related condition. Last evaluated: 2019-06-06. Review status: no assertion criteria provided. Collection method: clinical testing. Allele origin: germline.
Comment: This variant is classified as likely benign based on ACMG/AMP sequence variant interpretation guidelines (Richards et al. 2015 PMID: 25741868, with internal and published modifications).

NM_002855.5(NECTIN1):c.1003+534G>A

Gene: NECTIN1 (nectin cell adhesion molecule 1; minus strand). Cytogenetic location: 11q23.3.
Variant type: single nucleotide variant.
Coding change: c.1003+534G>A on transcript NM_002855.5 (MANE Select); 534 bases into the intron after coding-DNA position 1003, G replaced by A.
Molecular consequence: intron variant. On other transcripts: synonymous variant (1).
Genome position (GRCh38, 1-based): chr11:119,674,625, C>T on the plus strand (G>A on the coding strand, the complement: NECTIN1 is on the minus strand). VCF-style: chr11-119674625-C-T. GRCh37 (hg19) VCF-style: chr11-119545335-C-T.
Other names: c.1026G>A, p.Pro342= (NM_203286.2); c.1003+534G>A (NM_203285.2).
Identifiers: ClinVar variation 3044722 (VCV003044722.2), dbSNP rs58471168, ClinGen allele CA6321915.